The following is an entry in ClinVar:

NM_006306.4(SMC1A):c.855-13C>G

Gene: SMC1A (structural maintenance of chromosomes 1A; minus strand). Cytogenetic location: Xp11.22.
Variant type: single nucleotide variant.
Coding change: c.855-13C>G on transcript NM_006306.4 (MANE Select); 13 bases into the intron before coding-DNA position 855, C replaced by G.
Molecular consequence: intron variant.
Genome position (GRCh38, 1-based): chrX:53,412,266, G>C on the plus strand (C>G on the coding strand, the complement: SMC1A is on the minus strand). VCF-style: chrX-53412266-G-C. GRCh37 (hg19) VCF-style: chrX-53439216-G-C.
Other names: c.789-13C>G (NM_001281463.1).
Identifiers: ClinVar variation 3727175 (VCV003727175.2).

ClinVar aggregate classification (germline): Uncertain significance (1 of 4 stars; one submission).

Conditions:
Congenital muscular hypertrophy-cerebral syndrome (CDLS2). Also called: SMC1A-Related Cornelia de Lange Syndrome; Cornelia de Lange syndrome 2. Identifiers: Orphanet 199, MedGen C1802395, MONDO:0010370, OMIM 300590.

Submission:

Labcorp Genetics (formerly Invitae), Labcorp
Classification: Uncertain significance for Congenital muscular hypertrophy-cerebral syndrome. Last evaluated: 2024-12-23. Review status: criteria provided, single submitter. Criteria: Invitae Variant Classification Sherloc (09022015). Collection method: clinical testing. Allele origin: germline.
Comment: This sequence change falls in intron 5 of the SMC1A gene. It does not directly change the encoded amino acid sequence of the SMC1A protein. This variant is not present in population databases (gnomAD no frequency). This variant has not been reported in the literature in individuals affected with SMC1A-related conditions. Algorithms developed to predict the effect of sequence changes on RNA splicing suggest that this variant may create or strengthen a splice site. In summary, the available evidence is currently insufficient to determine the role of this variant in disease. Therefore, it has been classified as a Variant of Uncertain Significance.